The following is an entry in ClinVar:

NM_016219.5(MAN1B1):c.242T>A (p.Leu81Ter)

Gene: MAN1B1 (mannosidase alpha class 1B member 1; plus strand). Cytogenetic location: 9q34.3.
Variant type: single nucleotide variant.
Coding change: c.242T>A on transcript NM_016219.5 (MANE Select); coding-DNA position 242, T replaced by A.
Protein change: p.Leu81Ter; replaces leucine 81 with a stop codon.
Molecular consequence: nonsense. On other transcripts: non-coding transcript variant (2).
Genome position (GRCh38, 1-based): chr9:137,088,097, T>A. VCF-style: chr9-137088097-T-A. GRCh37 (hg19) VCF-style: chr9-139982549-T-A.
Other names: short protein forms L81*.
Identifiers: ClinVar variation 1076605 (VCV001076605.7), dbSNP rs2130986124, ClinGen allele CA375672392.

ClinVar aggregate classification (germline): Pathogenic (1 of 4 stars; one submission).

Conditions:
Rafiq syndrome (RAFQS). Identifiers: Orphanet 88616, MedGen C3280127, MONDO:0013624, OMIM 614202.

Submission:

Labcorp Genetics (formerly Invitae), Labcorp
Classification: Pathogenic for Rafiq syndrome. Last evaluated: 2023-10-27. Review status: criteria provided, single submitter. Criteria: Invitae Variant Classification Sherloc (09022015). Collection method: clinical testing. Allele origin: germline.
Comment: This sequence change creates a premature translational stop signal (p.Leu81*) in the MAN1B1 gene. It is expected to result in an absent or disrupted protein product. Loss-of-function variants in MAN1B1 are known to be pathogenic (PMID: 24566669). This variant is not present in population databases (gnomAD no frequency). This variant has not been reported in the literature in individuals affected with MAN1B1-related conditions. ClinVar contains an entry for this variant (Variation ID: 1076605). For these reasons, this variant has been classified as Pathogenic.

Literature cited by the submitters: PubMed 24566669.